The following is an entry in ClinVar:

ClinVar aggregate classification (germline): Pathogenic (1 of 4 stars; one submission).

Conditions:
Duchenne muscular dystrophy (DMD). Also called: Duchenne Muscular Dystrophy (DMD); MUSCULAR DYSTROPHY, PSEUDOHYPERTROPHIC PROGRESSIVE, DUCHENNE TYPE. Identifiers: Orphanet 98896, MedGen C0013264, MONDO:0010679, OMIM 310200.
Becker muscular dystrophy (BMD). Also called: MUSCULAR DYSTROPHY, PSEUDOHYPERTROPHIC PROGRESSIVE, BECKER TYPE; Becker Muscular Dystrophy (BMD). Identifiers: Orphanet 98895, MedGen C0917713, MONDO:0010311, OMIM 300376.
Dilated cardiomyopathy 3B (CMD3B). Also called: CMD3B: DMD-Related Dilated Cardiomyopathy; CARDIOMYOPATHY, DILATED, X-LINKED; DMD-Associated Dilated Cardiomyopathy. Identifiers: Orphanet 154, MedGen C3668940, MONDO:0010542, OMIM 302045.

Submission:

Juno Genomics, Hangzhou Juno Genomics, Inc
Classification: Pathogenic for Becker muscular dystrophy; Dilated cardiomyopathy 3B; Duchenne muscular dystrophy. Review status: criteria provided, single submitter. Criteria: ACMG Guidelines, 2015. Collection method: clinical testing. Allele origin: germline. Affected: yes.
Comment: Absent from controls (or at extremely low frequency if recessive) in Genome Aggregation Database, Exome Sequencing Project, 1000 Genomes Project, or Exome Aggregation Consortium.;Null variant in a gene where loss of function (LOF) is a known mechanism of disease.

NM_004006.3(DMD):c.10484T>A (p.Leu3495Ter)

Gene: DMD (dystrophin; minus strand). Cytogenetic location: Xp21.2.
Variant type: single nucleotide variant.
Coding change: c.10484T>A on transcript NM_004006.3 (MANE Select); coding-DNA position 10484, T replaced by A.
Protein change: p.Leu3495Ter; replaces leucine 3495 with a stop codon.
Molecular consequence: nonsense. On other transcripts: intron variant (2).
Genome position (GRCh38, 1-based): chrX:31,169,512, A>T on the plus strand (T>A on the coding strand, the complement: DMD is on the minus strand). VCF-style: chrX-31169512-A-T. GRCh37 (hg19) VCF-style: chrX-31187629-A-T.
Other names: c.10460T>A, p.Leu3487Ter (NM_000109.4); c.10472T>A, p.Leu3491Ter (NM_004009.3); c.10115T>A, p.Leu3372Ter (NM_004010.3); c.6461T>A, p.Leu2154Ter (NM_004011.4); c.6452T>A, p.Leu2151Ter (NM_004012.4); c.3104T>A, p.Leu1035Ter (NM_004013.3, NM_004021.3); c.2297T>A, p.Leu766Ter (NM_004014.3); c.1280T>A, p.Leu427Ter (NM_004015.3, NM_004016.3); and 3 more; short protein forms L1022*, L1035*, L2151*, L2154*, L3372*, L3487*, L3491*, L3495*.
Identifiers: ClinVar variation 3382794 (VCV003382794.2).
Genomic context (GRCh38, chrX:31,169,512, plus strand): 5'-TCCTCAAGATCTGCTAGGATTCTCTCTAGCTCCCCTCTTTCCTCACTCTCTAAGGAAATC[A>T]AGATCTGGGCAGGACTACGAGGCTGGCTCAGGGGGGAGTCCTGGTTCAAACTTTGGCAGT-3'